The following is an entry in ClinVar:

NM_030665.4(RAI1):c.281G>A (p.Arg94Lys)

Gene: RAI1 (retinoic acid induced 1; plus strand). Cytogenetic location: 17p11.2.
Variant type: single nucleotide variant.
Coding change: c.281G>A on transcript NM_030665.4 (MANE Select); coding-DNA position 281, G replaced by A.
Protein change: p.Arg94Lys; replaces arginine 94 with lysine.
Molecular consequence: missense variant.
Genome position (GRCh38, 1-based): chr17:17,793,229, G>A. VCF-style: chr17-17793229-G-A. GRCh37 (hg19) VCF-style: chr17-17696543-G-A.
Other names: short protein forms R94K.
Identifiers: ClinVar variation 4998868 (VCV004998868.1).
Genomic context (GRCh38, chr17:17,793,229, plus strand): 5'-CCGCCGACAAGTACCACCGAGGCAGCAAGGCCCTGCCCACACAGCAAGGCCTGCAGGGGA[G>A]GCCGGCTTTCCCTGGCTACGGCGTCCAGGACAGCAGCCCCTACCCAGGCCGCTATGCTGG-3'
Protein context (NP_109590.3, residues 84-104): ALPTQQGLQG[Arg94Lys]PAFPGYGVQD

ClinVar aggregate classification (germline): Uncertain significance (1 of 4 stars; one submission).

Conditions:
RAI1-related disorder. Also called: RAI1-related condition.

Submission:

PreventionGenetics, part of Exact Sciences
Classification: Uncertain significance for RAI1-related condition. Last evaluated: 2026-07-01. Review status: criteria provided, single submitter. Criteria: ACMG Guidelines, 2015. Collection method: clinical testing. Allele origin: germline.
Comment: The RAI1 c.281G>A variant is predicted to result in the amino acid substitution p.Arg94Lys. To our knowledge, this variant has not been reported in the literature. This variant has not been reported in a large population database; however, the coverage of this variant should be interpreted with caution. At this time, the clinical significance of this variant is uncertain due to the absence of conclusive functional and genetic evidence.